The following is an entry in ClinVar:

ClinVar aggregate classification (germline): Pathogenic (1 of 4 stars; one submission).

Conditions:
Hereditary cancer-predisposing syndrome. Also called: Hereditary neoplastic syndrome; Neoplastic Syndromes, Hereditary; Tumor predisposition; Hereditary Cancer Syndrome. Identifiers: Orphanet 140162, MedGen C0027672, MeSH D009386, MONDO:0015356.

Submission:

Ambry Genetics
Classification: Pathogenic for Hereditary cancer-predisposing syndrome. Last evaluated: 2025-01-28. Review status: criteria provided, single submitter. Criteria: Ambry Variant Classification Scheme 2023. Collection method: clinical testing. Allele origin: germline.
Comment: The c.114delA pathogenic mutation, located in coding exon 3 of the BAP1 gene, results from a deletion of one nucleotide at nucleotide position 114, causing a translational frameshift with a predicted alternate stop codon (p.K38Nfs*34). This variant is considered to be rare based on population cohorts in the Genome Aggregation Database (gnomAD). This alteration is expected to result in loss of function by premature protein truncation or nonsense-mediated mRNA decay. As such, this alteration is interpreted as a disease-causing mutation.

NM_004656.4(BAP1):c.114del (p.Lys38fs)

Gene: BAP1 (BRCA1 associated deubiquitinase 1; minus strand). Cytogenetic location: 3p21.1.
Variant type: Deletion.
Coding change: c.114del on transcript NM_004656.4 (MANE Select); coding-DNA position 114, one base deleted (A; older notation c.114delA).
Protein change: p.Lys38fs; shifts the reading frame from lysine 38.
Molecular consequence: frameshift variant.
Genome position (GRCh38, 1-based): chr3:52,409,562, T deleted on the plus strand (A on the coding strand, the reverse complement: BAP1 is on the minus strand); the first of 3 consecutive T bases (chr3:52,409,562-52,409,564); deleting any one gives the same sequence. VCF-style (leftmost placement, unchanged base first): chr3-52409561-AT-A. GRCh37 (hg19) VCF-style: chr3-52443577-AT-A.
Other names: c.114del, p.Lys38fs (NM_001410772.1); c.114delA (NM_004656.2); short protein forms K38fs.
Identifiers: ClinVar variation 3819022 (VCV003819022.1).